The following is an entry in ClinVar:

NM_004329.3(BMPR1A):c.333A>G (p.Lys111=)

Gene: BMPR1A (bone morphogenetic protein receptor type 1A; plus strand). Cytogenetic location: 10q23.2.
Variant type: single nucleotide variant.
Coding change: c.333A>G on transcript NM_004329.3 (MANE Select); coding-DNA position 333, A replaced by G.
Protein change: p.Lys111=; no amino-acid change (lysine 111 retained).
Molecular consequence: synonymous variant. On other transcripts: non-coding transcript variant (3).
Genome position (GRCh38, 1-based): chr10:86,892,229, A>G. VCF-style: chr10-86892229-A-G. GRCh37 (hg19) VCF-style: chr10-88651986-A-G.
Other names: c.333A>G, p.Lys111= (NM_001406559.1, NM_001406560.1, NM_001406561.1 and 23 more transcripts); c.249A>G, p.Lys83= (NM_001406584.1, NM_001406585.1, NM_001406586.1 and 2 more transcripts).
Identifiers: ClinVar variation 3148059 (VCV003148059.1), dbSNP rs2539446754, ClinGen allele CA470305237.

ClinVar aggregate classification (germline): Likely benign (1 of 4 stars; one submission).

Conditions:
Juvenile polyposis syndrome (JPS). Identifiers: Orphanet 2929, MedGen C0345893, MONDO:0017380, OMIM 174900.

Submission:

Myriad Genetics, Inc.
Classification: Likely benign for Juvenile polyposis syndrome. Last evaluated: 2023-12-13. Review status: criteria provided, single submitter. Criteria: Myriad Autosomal Dominant, Autosomal Recessive and X-Linked Classification Criteria (2023). Collection method: clinical testing. Allele origin: unknown.
Comment: This variant is considered likely benign. This variant is a silent/synonymous amino acid change and it is not expected to impact splicing.